The following is an entry in ClinVar:

NM_020765.3(UBR4):c.1495-7C>G

Gene: UBR4 (ubiquitin protein ligase E3 component n-recognin 4; minus strand). Cytogenetic location: 1p36.13.
Variant type: single nucleotide variant.
Coding change: c.1495-7C>G on transcript NM_020765.3 (MANE Select); 7 bases into the intron before coding-DNA position 1495, C replaced by G.
Molecular consequence: intron variant.
Genome position (GRCh38, 1-based): chr1:19,187,308, G>C on the plus strand (C>G on the coding strand, the complement: UBR4 is on the minus strand). VCF-style: chr1-19187308-G-C. GRCh37 (hg19) VCF-style: chr1-19513802-G-C.
Other names: NC_000001.10:g.19513802G>C.
Identifiers: ClinVar variation 728385 (VCV000728385.7), dbSNP rs74056786, ClinGen allele CA651679.

ClinVar aggregate classification (germline): Benign. Review status: criteria provided, single submitter (1 of 4 stars). 2 submissions from 2 submitters: Benign (1). 1 of the submissions does not count toward it. Last evaluated 2019-12-31.

Conditions:
UBR4-related disorder. Also called: UBR4-related condition.

Allele frequency attached by ClinVar (database versions not stated): gnomAD exomes 0.00096 and 0.00239; ExAC 0.00307; gnomAD 0.01026 and 0.01108; ESP Exome Variant Server 0.01076; TOPMed 0.01151; 1000 Genomes Project 0.01158; 1000 Genomes Project 30x 0.01202.
gnomAD v4.1: 3,039 of 1,612,004 alleles (0.19%); highest among the groups gnomAD compares: African/African-American, 3.6%; 46 homozygotes.

Submissions (4):

Labcorp Genetics (formerly Invitae), Labcorp
Classification: Benign. Last evaluated: 2019-12-31. Review status: criteria provided, single submitter. Criteria: Invitae Variant Classification Sherloc (09022015). Collection method: clinical testing. Allele origin: germline.

PreventionGenetics, part of Exact Sciences
Classification: Benign for UBR4-related condition. Last evaluated: 2019-04-01. Review status: no assertion criteria provided. Collection method: clinical testing. Allele origin: germline. Not counted in ClinVar's aggregate classification.
Comment: This variant is classified as benign based on ACMG/AMP sequence variant interpretation guidelines (Richards et al. 2015 PMID: 25741868, with internal and published modifications).

Dr. Peter K. Rogan Lab, Western University
No classification provided (evidence only). Condition: Acute myeloid leukemia. Review status: no classification provided. Collection method: in vitro. Allele origin: not applicable. Functional consequence: retained intron. Not counted in ClinVar's aggregate classification.

Dr. Peter K. Rogan Lab, Western University
No classification provided (evidence only). Condition: Acute myeloid leukemia. Review status: no classification provided. Collection method: in vitro. Allele origin: not applicable. Functional consequence: retained intron. Not counted in ClinVar's aggregate classification.